The following is an entry in ClinVar:

NM_000143.4(FH):c.576C>G (p.Pro192=)

Gene: FH (fumarate hydratase; minus strand). Cytogenetic location: 1q43.
Variant type: single nucleotide variant.
Coding change: c.576C>G on transcript NM_000143.4 (MANE Select); coding-DNA position 576, C replaced by G.
Protein change: p.Pro192=; no amino-acid change (proline 192 retained).
Molecular consequence: synonymous variant.
Genome position (GRCh38, 1-based): chr1:241,508,765, G>C on the plus strand (C>G on the coding strand, the complement: FH is on the minus strand). VCF-style: chr1-241508765-G-C. GRCh37 (hg19) VCF-style: chr1-241672065-G-C.
Other names: c.576C>G (NM_000143.3).
Identifiers: ClinVar variation 1129485 (VCV001129485.12), dbSNP rs1413797947, ClinGen allele CA424076169.

ClinVar aggregate classification (germline): Conflicting classifications of pathogenicity. Review status: criteria provided, conflicting classifications (1 of 4 stars). 4 submissions from 4 submitters: Uncertain significance (1); Benign (1); Likely benign (2). Last evaluated 2025-12-19.

Conditions:
Hereditary cancer-predisposing syndrome. Also called: Neoplastic Syndromes, Hereditary; Hereditary Cancer Syndrome; Hereditary neoplastic syndrome; Tumor predisposition. Identifiers: Orphanet 140162, MedGen C0027672, MeSH D009386, MONDO:0015356.
Hereditary leiomyomatosis and renal cell cancer. Also called: Reed syndrome; Multiple cutaneous and uterine leiomyomatosis; Cutaneous leiomyomata with uterine leiomyomata; Leiomyoma, hereditary multiple, of skin; Multiple cutaneous and uterine leiomyomata; Multiple cutaneous leiomyomas. Identifiers: Orphanet 523, MedGen C1708350, MONDO:0007888, OMIM 150800, HP:0007437. Disease mechanism: loss of function.

Allele frequency attached by ClinVar (database versions not stated): gnomAD exomes below 0.00001.
gnomAD v4.1: 2 of 1,613,324 alleles (0.00012%); highest among the groups gnomAD compares: Non-Finnish European, 0.00017%; no homozygotes.

Submissions (4):

Labcorp Genetics (formerly Invitae), Labcorp
Classification: Likely benign. Last evaluated: 2025-12-19. Review status: criteria provided, single submitter. Criteria: Invitae Variant Classification Sherloc (09022015). Collection method: clinical testing. Allele origin: germline.

Myriad Genetics, Inc.
Classification: Benign for Hereditary leiomyomatosis and renal cell cancer. Last evaluated: 2024-10-18. Review status: criteria provided, single submitter. Criteria: Myriad Autosomal Dominant, Autosomal Recessive and X-Linked Classification Criteria (2023). Collection method: clinical testing. Allele origin: unknown.
Comment: This variant is considered benign. This variant is a silent/synonymous amino acid change and it is not expected to impact splicing.

Quest Diagnostics Nichols Institute San Juan Capistrano
Classification: Uncertain significance. Last evaluated: 2023-06-22. Review status: criteria provided, single submitter. Criteria: Quest Diagnostics criteria. Collection method: clinical testing. Allele origin: unknown.
Comment: To the best of our knowledge, this variant has not been reported in the published literature. The frequency of this variant in the general population, 0.000004 (1/251006 chromosomes (Genome Aggregation Database)), is uninformative in the assessment of its pathogenicity. Analysis of this variant using software algorithms for the prediction of the effect of nucleotide changes on splicing yielded predictions that this variant does not affect FH mRNA splicing . Based on the available information, we are unable to determine the clinical significance of this variant.

Ambry Genetics
Classification: Likely benign for Hereditary cancer-predisposing syndrome. Last evaluated: 2023-04-05. Review status: criteria provided, single submitter. Criteria: Ambry Variant Classification Scheme 2023. Collection method: clinical testing. Allele origin: germline.